The following is an entry in ClinVar:

NM_001379500.1(COL18A1):c.23C>T (p.Pro8Leu)

Genes: BNAT1 (breast cancer associated ESR1 regulating natural antisense transcript 1; minus strand), COL18A1 (collagen type XVIII alpha 1 chain; plus strand). Cytogenetic location: 21q22.3.
Variant type: single nucleotide variant.
Coding change: c.23C>T on transcript NM_001379500.1 (MANE Select); coding-DNA position 23, C replaced by T.
Protein change: p.Pro8Leu; replaces proline 8 with leucine.
Molecular consequence: missense variant.
Genome position (GRCh38, 1-based): chr21:45,405,390, C>T. VCF-style: chr21-45405390-C-T. GRCh37 (hg19) VCF-style: chr21-46825305-C-T.
Other names: short protein forms P8L.
Identifiers: ClinVar variation 1919660 (VCV001919660.5), dbSNP rs756329499, ClinGen allele CA10065179.

ClinVar aggregate classification (germline): Uncertain significance (1 of 4 stars; one submission).

Allele frequency attached by ClinVar (database versions not stated): TOPMed below 0.00001; gnomAD exomes 0.00001.
gnomAD v4.1: 6 of 1,262,204 alleles (0.00048%); highest among the groups gnomAD compares: South Asian, 0.002%; no homozygotes.

Submission:

Labcorp Genetics (formerly Invitae), Labcorp
Classification: Uncertain significance. Last evaluated: 2022-10-17. Review status: criteria provided, single submitter. Criteria: Invitae Variant Classification Sherloc (09022015). Collection method: clinical testing. Allele origin: germline.
Comment: This sequence change replaces proline, which is neutral and non-polar, with leucine, which is neutral and non-polar, at codon 8 of the COL18A1 protein (p.Pro8Leu). The frequency data for this variant in the population databases is considered unreliable, as metrics indicate poor data quality at this position in the gnomAD database. This variant has not been reported in the literature in individuals affected with COL18A1-related conditions. Experimental studies and prediction algorithms are not available or were not evaluated, and the functional significance of this variant is currently unknown. In summary, the available evidence is currently insufficient to determine the role of this variant in disease. Therefore, it has been classified as a Variant of Uncertain Significance.